The following is an entry in ClinVar:

ClinVar aggregate classification (germline): Uncertain significance (1 of 4 stars; one submission).

Allele frequency attached by ClinVar (database versions not stated): TOPMed below 0.00001; ExAC 0.00001; gnomAD 0.00001; gnomAD exomes 0.00001.
gnomAD v4.1: 22 of 1,612,122 alleles (0.0014%); highest among the groups gnomAD compares: Non-Finnish European, 0.0018%; no homozygotes.

Submission:

Labcorp Genetics (formerly Invitae), Labcorp
Classification: Uncertain significance. Last evaluated: 2024-12-31. Review status: criteria provided, single submitter. Criteria: Invitae Variant Classification Sherloc (09022015). Collection method: clinical testing. Allele origin: germline.
Comment: This sequence change affects codon 1197 of the NBAS mRNA. It is a 'silent' change, meaning that it does not change the encoded amino acid sequence of the NBAS protein. It affects a nucleotide within the consensus splice site. This variant is present in population databases (rs754133446, gnomAD 0.0009%). This variant has not been reported in the literature in individuals affected with NBAS-related conditions. ClinVar contains an entry for this variant (Variation ID: 2171004). Algorithms developed to predict the effect of sequence changes on RNA splicing suggest that this variant is not likely to affect RNA splicing. In summary, the available evidence is currently insufficient to determine the role of this variant in disease. Therefore, it has been classified as a Variant of Uncertain Significance.

NM_015909.4(NBAS):c.3591G>A (p.Arg1197=)

Gene: NBAS (NBAS subunit of NRZ tethering complex; minus strand). Cytogenetic location: 2p24.3.
Variant type: single nucleotide variant.
Coding change: c.3591G>A on transcript NM_015909.4 (MANE Select); coding-DNA position 3591, G replaced by A.
Protein change: p.Arg1197=; no amino-acid change (arginine 1197 retained).
Molecular consequence: synonymous variant. On other transcripts: non-coding transcript variant (1).
Genome position (GRCh38, 1-based): chr2:15,374,720, C>T on the plus strand (G>A on the coding strand, the complement: NBAS is on the minus strand). VCF-style: chr2-15374720-C-T. GRCh37 (hg19) VCF-style: chr2-15514844-C-T.
Identifiers: ClinVar variation 2171004 (VCV002171004.4), dbSNP rs754133446, ClinGen allele CA1535980.